The following is an entry in ClinVar:

NM_004055.5(CAPN5):c.395T>C (p.Val132Ala)

Gene: CAPN5 (calpain 5; plus strand). Cytogenetic location: 11q13.5.
Variant type: single nucleotide variant.
Coding change: c.395T>C on transcript NM_004055.5 (MANE Select); coding-DNA position 395, T replaced by C.
Protein change: p.Val132Ala; replaces valine 132 with alanine.
Molecular consequence: missense variant.
Genome position (GRCh38, 1-based): chr11:77,112,686, T>C. VCF-style: chr11-77112686-T-C. GRCh37 (hg19) VCF-style: chr11-76823732-T-C.
Other names: short protein forms V132A.
Identifiers: ClinVar variation 1309483 (VCV001309483.8), dbSNP rs782280017, ClinGen allele CA6196426.

ClinVar aggregate classification (germline): Uncertain significance. Review status: criteria provided, multiple submitters, no conflicts (2 of 4 stars). 3 submissions from 3 submitters: Uncertain significance (3). Last evaluated 2025-01-21.

Conditions:
Inborn genetic diseases. Identifiers: MedGen C0950123, MeSH D030342.

Allele frequency attached by ClinVar (database versions not stated): ExAC 0.00002; gnomAD exomes 0.00002; TOPMed 0.00002; gnomAD 0.00003 and 0.00004.
gnomAD v4.1: 34 of 1,614,018 alleles (0.0021%); highest among the groups gnomAD compares: Non-Finnish European, 0.0026%; no homozygotes.

Submissions (3):

Ambry Genetics
Classification: Uncertain significance for Inborn genetic diseases. Last evaluated: 2025-01-21. Review status: criteria provided, single submitter. Criteria: Ambry Variant Classification Scheme 2023. Collection method: clinical testing. Allele origin: germline.

Labcorp Genetics (formerly Invitae), Labcorp
Classification: Uncertain significance. Last evaluated: 2022-01-19. Review status: criteria provided, single submitter. Criteria: Invitae Variant Classification Sherloc (09022015). Collection method: clinical testing. Allele origin: germline.
Comment: In summary, the available evidence is currently insufficient to determine the role of this variant in disease. Therefore, it has been classified as a Variant of Uncertain Significance. This sequence change replaces valine, which is neutral and non-polar, with alanine, which is neutral and non-polar, at codon 132 of the CAPN5 protein (p.Val132Ala). This variant is present in population databases (rs782280017, gnomAD 0.004%). This variant has not been reported in the literature in individuals affected with CAPN5-related conditions. ClinVar contains an entry for this variant (Variation ID: 1309483). Algorithms developed to predict the effect of missense changes on protein structure and function are either unavailable or do not agree on the potential impact of this missense change (SIFT: "Deleterious"; PolyPhen-2: "Possibly Damaging"; Align-GVGD: "Class C0").

GeneDx
Classification: Uncertain significance. Last evaluated: 2019-10-29. Review status: criteria provided, single submitter. Criteria: GeneDx Variant Classification Process June 2021. Collection method: clinical testing. Allele origin: germline. Affected: yes.
Comment: In silico analysis, which includes protein predictors and evolutionary conservation, supports that this variant does not alter protein structure/function; Has not been previously published as pathogenic or benign to our knowledge